The following is an entry in ClinVar:

NM_018706.7(DHTKD1):c.1599T>G (p.Phe533Leu)

Gene: DHTKD1 (dehydrogenase E1 and transketolase domain containing 1; plus strand). Cytogenetic location: 10p14.
Variant type: single nucleotide variant.
Coding change: c.1599T>G on transcript NM_018706.7 (MANE Select); coding-DNA position 1599, T replaced by G.
Protein change: p.Phe533Leu; replaces phenylalanine 533 with leucine.
Molecular consequence: missense variant.
Genome position (GRCh38, 1-based): chr10:12,097,924, T>G. VCF-style: chr10-12097924-T-G. GRCh37 (hg19) VCF-style: chr10-12139923-T-G.
Other names: short protein forms F533L.
Identifiers: ClinVar variation 4779502 (VCV004779502.1).

ClinVar aggregate classification (germline): Uncertain significance (1 of 4 stars; one submission).

Conditions:
2-aminoadipic 2-oxoadipic aciduria (AAKAD). Also called: ALPHA-AMINOADIPIC AND ALPHA-KETOADIPIC ACIDURIA; Aminoadipic aciduria. Identifiers: Orphanet 79154, MedGen C1859817, MONDO:0008774, OMIM 204750.

Submission:

Labcorp Genetics (formerly Invitae), Labcorp
Classification: Uncertain significance for 2-aminoadipic 2-oxoadipic aciduria. Last evaluated: 2025-05-25. Review status: criteria provided, single submitter. Criteria: Invitae Variant Classification Sherloc (09022015). Collection method: clinical testing. Allele origin: germline.
Comment: This sequence change replaces phenylalanine, which is neutral and non-polar, with leucine, which is neutral and non-polar, at codon 533 of the DHTKD1 protein (p.Phe533Leu). This variant is not present in population databases (gnomAD no frequency). This variant has not been reported in the literature in individuals affected with DHTKD1-related conditions. Invitae Evidence Modeling of protein sequence and biophysical properties (such as structural, functional, and spatial information, amino acid conservation, physicochemical variation, residue mobility, and thermodynamic stability) indicates that this missense variant is not expected to disrupt DHTKD1 protein function with a negative predictive value of 80%. In summary, the available evidence is currently insufficient to determine the role of this variant in disease. Therefore, it has been classified as a Variant of Uncertain Significance.